The following is an entry in ClinVar:

ClinVar aggregate classification (germline): Uncertain significance. Review status: criteria provided, multiple submitters, no conflicts (2 of 4 stars). 2 submissions from 2 submitters: Uncertain significance (2). Last evaluated 2023-09-27.

Conditions:
Cortical dysplasia-focal epilepsy syndrome (PTHSL1). Also called: Pitt-Hopkins-like syndrome 1. Identifiers: Orphanet 163681, Orphanet 221150, MedGen C2750246, MONDO:0012400, OMIM 610042.

Allele frequency attached by ClinVar (database versions not stated): ExAC 0.00002; gnomAD 0.00002; TOPMed 0.00002; gnomAD exomes 0.00003; ESP Exome Variant Server 0.00008.
gnomAD v4.1: 18 of 1,613,666 alleles (0.0011%); no homozygotes.

Submissions (2):

GeneDx
Classification: Uncertain significance. Last evaluated: 2023-09-27. Review status: criteria provided, single submitter. Criteria: GeneDx Variant Classification Process June 2021. Collection method: clinical testing. Allele origin: germline. Affected: yes.
Comment: In silico analysis supports that this missense variant does not alter protein structure/function; This variant is associated with the following publications: (PMID: 24807205)

Labcorp Genetics (formerly Invitae), Labcorp
Classification: Uncertain significance for Cortical dysplasia-focal epilepsy syndrome. Last evaluated: 2022-08-06. Review status: criteria provided, single submitter. Criteria: Invitae Variant Classification Sherloc (09022015). Collection method: clinical testing. Allele origin: germline.
Comment: This sequence change replaces lysine, which is basic and polar, with asparagine, which is neutral and polar, at codon 495 of the CNTNAP2 protein (p.Lys495Asn). This variant is present in population databases (rs374414558, gnomAD 0.1%). This variant has not been reported in the literature in individuals affected with CNTNAP2-related conditions. ClinVar contains an entry for this variant (Variation ID: 950703). Algorithms developed to predict the effect of missense changes on protein structure and function (SIFT, PolyPhen-2, Align-GVGD) all suggest that this variant is likely to be tolerated. In summary, the available evidence is currently insufficient to determine the role of this variant in disease. Therefore, it has been classified as a Variant of Uncertain Significance.

NM_014141.6(CNTNAP2):c.1485G>T (p.Lys495Asn)

Gene: CNTNAP2 (contactin associated protein 2; plus strand). Cytogenetic location: 7q35.
Variant type: single nucleotide variant.
Coding change: c.1485G>T on transcript NM_014141.6 (MANE Select); coding-DNA position 1485, G replaced by T.
Protein change: p.Lys495Asn; replaces lysine 495 with asparagine.
Molecular consequence: missense variant.
Genome position (GRCh38, 1-based): chr7:147,300,277, G>T. VCF-style: chr7-147300277-G-T. GRCh37 (hg19) VCF-style: chr7-146997369-G-T.
Other names: short protein forms K495N.
Identifiers: ClinVar variation 950703 (VCV000950703.8), dbSNP rs374414558, ClinGen allele CA4546069.
Genomic context (GRCh38, chr7:147,300,277, plus strand): 5'-TGGAGATGAAGCATCAGCAGTTCGAACTAATAGTCCCCTTCAAGTTAAAACTGGCGAGAA[G>T]TACTTTTTTGGAGGTAAGAATGCCATTCCTTTTTGGTTACTAATCCATTGCAAAAAATGA-3'
Protein context (NP_054860.1, residues 485-505): NSPLQVKTGE[Lys495Asn]YFFGGFLNQM